The following is an entry in ClinVar:

NM_001022.4(RPS19):c.356+18G>C

Genes: RPS19 (ribosomal protein S19; plus strand), RPS19-CD79A (RPS19-CD79A readthrough; plus strand). Cytogenetic location: 19q13.2.
Variant type: single nucleotide variant.
Coding change: c.356+18G>C on transcript NM_001022.4 (MANE Select); 18 bases into the intron after coding-DNA position 356, G replaced by C.
Molecular consequence: intron variant.
Genome position (GRCh38, 1-based): chr19:41,869,232, G>C. VCF-style: chr19-41869232-G-C. GRCh37 (hg19) VCF-style: chr19-42373302-G-C.
Other names: c.356+18G>C (NM_001321484.2, NM_001321483.2); c.369+18G>C (NM_001321485.2).
Identifiers: ClinVar variation 238214 (VCV000238214.59), dbSNP rs61762294, ClinGen allele CA9465378.

ClinVar aggregate classification (germline): Benign/Likely benign. Review status: criteria provided, multiple submitters, no conflicts (2 of 4 stars). 9 submissions from 9 submitters: Benign (7); Likely benign (2). Last evaluated 2026-07-01.

Conditions:
Diamond-Blackfan anemia 1 (DBA1). Also called: RPS19-Related Diamond-Blackfan Anemia; BLACKFAN-DIAMOND SYNDROME; ANEMIA, CONGENITAL HYPOPLASTIC, OF BLACKFAN AND DIAMOND; ANEMIA, CONGENITAL ERYTHROID HYPOPLASTIC; RED CELL APLASIA, PURE, HEREDITARY; AREGENERATIVE ANEMIA, CHRONIC CONGENITAL. Identifiers: Orphanet 124, MedGen C2676137, MONDO:0007110, OMIM 105650.
Diamond-Blackfan anemia. Also called: Blackfan Diamond syndrome; Aregenerative anemia chronic congenital; Red cell aplasia, pure hereditary; Congenital hypoplastic anemia; Aase syndrome. Identifiers: Orphanet 124, MedGen C1260899, MeSH D029503, MONDO:0015253, HP:0004810.

Allele frequency attached by ClinVar (database versions not stated): 1000 Genomes Project 30x 0.00625; 1000 Genomes Project 0.00699; TOPMed 0.00990; ESP Exome Variant Server 0.01346.
gnomAD v4.1: 25,132 of 1,608,326 alleles (1.6%); highest among the groups gnomAD compares: Non-Finnish European, 1.8%; 234 homozygotes.

Submissions (9):

CeGaT Center for Human Genetics Tuebingen
Classification: Benign. Last evaluated: 2026-07-01. Review status: criteria provided, single submitter. Criteria: CeGaT Center For Human Genetics Tuebingen Variant Classification Criteria Version 2. Collection method: clinical testing. Allele origin: germline. Affected: yes. Observed: 10 variant alleles.
Comment: RPS19: BS1, BS2

Labcorp Genetics (formerly Invitae), Labcorp
Classification: Benign for Diamond-Blackfan anemia. Last evaluated: 2026-02-02. Review status: criteria provided, single submitter. Criteria: Invitae Variant Classification Sherloc (09022015). Collection method: clinical testing. Allele origin: germline.

Blueprint Genetics
Classification: Likely benign. Last evaluated: 2024-11-28. Review status: criteria provided, single submitter. Criteria: ACMG Guidelines, 2015. Collection method: clinical testing. Allele origin: germline.

ARUP Laboratories, Molecular Genetics and Genomics, ARUP Laboratories
Classification: Benign for Diamond-Blackfan anemia 1. Last evaluated: 2024-08-16. Review status: criteria provided, single submitter. Criteria: ARUP Molecular Germline Variant Investigation Process 2024. Collection method: clinical testing. Allele origin: germline.

Fulgent Genetics
Classification: Benign for Diamond-Blackfan anemia 1. Last evaluated: 2021-12-14. Review status: criteria provided, single submitter. Criteria: ACMG Guidelines, 2015. Collection method: clinical testing. Allele origin: unknown.

GeneDx
Classification: Benign. Last evaluated: 2018-12-19. Review status: criteria provided, single submitter. Criteria: GeneDx Variant Classification Process June 2021. Collection method: clinical testing. Allele origin: germline. Affected: yes.
Comment: This variant is associated with the following publications: (PMID: 10590074, 27535533)

Ambry Genetics
Classification: Benign for Diamond-Blackfan anemia. Last evaluated: 2015-05-20. Review status: criteria provided, single submitter. Criteria: Ambry Variant Classification Scheme 2023. Collection method: clinical testing. Allele origin: germline.

Breakthrough Genomics
Classification: Likely benign. Review status: criteria provided, single submitter. Criteria: ACMG Guidelines, 2015. Collection method: not provided. Allele origin: germline. Inheritance: Autosomal dominant inheritance. Affected: yes.

Broad Center for Mendelian Genomics, Broad Institute of MIT and Harvard
Classification: Benign for Diamond-Blackfan anemia 1. Review status: criteria provided, single submitter. Criteria: ACMG Guidelines, 2015. Collection method: research. Allele origin: germline. Inheritance: Autosomal recessive inheritance. Affected: yes.
Comment: The heterozygous c.356+18G>C variant in RPS19 has been identified in an individual with Diamond-Blackfan anaemia (PMID: 10590074), but has also been identified in >2% of European (Finnish) chromosomes and 14 homozygotes by ExAC. In summary, this variant meets criteria to be classified as benign for autosomal recessive Diamond-Blackfan anaemia.